The following is an entry in ClinVar:

ClinVar aggregate classification (germline): Pathogenic/Likely pathogenic. Review status: criteria provided, multiple submitters, no conflicts (2 of 4 stars). 5 submissions from 5 submitters: Pathogenic (2); Likely pathogenic (2). 1 of the submissions does not count toward it. Last evaluated 2025-07-25.

Conditions:
Pendred syndrome (PDS). Also called: HYPOTHYROIDISM, CONGENITAL, DUE TO DYSHORMONOGENESIS, 2B; Pendred's syndrome; THYROID DYSHORMONOGENESIS 2B; THYROID HORMONOGENESIS, GENETIC DEFECT IN, 2B; Pendred Syndrome (PDS); DEAFNESS WITH GOITER. Identifiers: Orphanet 705, MedGen C0271829, MONDO:0010134, OMIM 274600.
Autosomal recessive nonsyndromic hearing loss 4 (DFNB4). Also called: DEAFNESS, AUTOSOMAL RECESSIVE 4, WITH ENLARGED VESTIBULAR AQUEDUCT, DIGENIC; Deafness, autosomal recessive 4; Enlarged vestibular aqueduct, digenic; FOXI1-Related Pendred Syndrome; KCNJ10-Related Pendred Syndrome; Deafness, autosomal recessive 4, with enlarged vestibular aqueduct. Identifiers: Orphanet 90636, MedGen C3538946, MONDO:0010933, OMIM 600791.

Submissions (5):

Natera, Inc.
Classification: Pathogenic for Pendred syndrome. Last evaluated: 2025-07-25. Review status: criteria provided, single submitter. Criteria: Natera Variant Classification Schema (03/2026). Collection method: clinical testing. Allele origin: germline.
Comment: The c.1263+1G>T variant in SLC26A4 is a canonical splice donor site variant predicted to affect pre-mRNA splicing, which may result in an abnormal transcript and altered protein product. This variant is expected to result in nonsense mediated decay, truncation, or a dysfunctional protein product. This variant is rare in the general population with a frequency below the threshold expected for the associated phenotype(s). Another variant at this same site results in an alteration predicted to cause a similar molecular effect has been observed in individual(s) with the associated phenotype. Given the available evidence, this variant is classified as Pathogenic.

Fulgent Genetics
Classification: Likely pathogenic for Pendred syndrome; Autosomal recessive nonsyndromic hearing loss 4. Last evaluated: 2024-01-24. Review status: criteria provided, single submitter. Criteria: ACMG Guidelines, 2015. Collection method: clinical testing. Allele origin: germline.

Baylor Genetics
Classification: Likely pathogenic for Autosomal recessive nonsyndromic hearing loss 4. Last evaluated: 2022-10-29. Review status: criteria provided, single submitter. Criteria: ACMG Guidelines, 2015. Collection method: clinical testing. Allele origin: unknown.

Labcorp Genetics (formerly Invitae), Labcorp
Classification: Pathogenic. Last evaluated: 2022-09-05. Review status: criteria provided, single submitter. Criteria: Invitae Variant Classification Sherloc (09022015). Collection method: clinical testing. Allele origin: germline.
Comment: This variant is not present in population databases (gnomAD no frequency). Algorithms developed to predict the effect of sequence changes on RNA splicing suggest that this variant may disrupt the consensus splice site. ClinVar contains an entry for this variant (Variation ID: 371092). Disruption of this splice site has been observed in individual(s) with Pendred syndrome (PMID: 23838540). In at least one individual the data is consistent with being in trans (on the opposite chromosome) from a pathogenic variant. For these reasons, this variant has been classified as Pathogenic. This sequence change affects a donor splice site in intron 10 of the SLC26A4 gene. It is expected to disrupt RNA splicing. Variants that disrupt the donor or acceptor splice site typically lead to a loss of protein function (PMID: 16199547), and loss-of-function variants in SLC26A4 are known to be pathogenic (PMID: 16283880, 25394566, 26252218, 26445815).

Counsyl
Classification: Likely pathogenic for Pendred syndrome. Last evaluated: 2016-06-24. Review status: no assertion criteria provided. Collection method: clinical testing. Allele origin: unknown. Not counted in ClinVar's aggregate classification.

Literature cited by the submitters: PubMed 23838540 (cited by Labcorp Genetics (formerly Invitae), Labcorp); PubMed 16199547 (cited by Labcorp Genetics (formerly Invitae), Labcorp); PubMed 16283880 (cited by Labcorp Genetics (formerly Invitae), Labcorp); PubMed 25394566 (cited by Labcorp Genetics (formerly Invitae), Labcorp); PubMed 26252218 (cited by Labcorp Genetics (formerly Invitae), Labcorp); PubMed 26445815 (cited by Labcorp Genetics (formerly Invitae), Labcorp).

NM_000441.2(SLC26A4):c.1263+1G>T

Gene: SLC26A4 (solute carrier family 26 member 4; plus strand). Cytogenetic location: 7q22.3.
Variant type: single nucleotide variant.
Coding change: c.1263+1G>T on transcript NM_000441.2 (MANE Select); the canonical splice donor site of the intron after coding-DNA position 1263, G replaced by T.
Molecular consequence: splice donor variant.
Genome position (GRCh38, 1-based): chr7:107,690,238, G>T. VCF-style: chr7-107690238-G-T. GRCh37 (hg19) VCF-style: chr7-107330683-G-T.
Identifiers: ClinVar variation 371092 (VCV000371092.11), dbSNP rs1057517000, ClinGen allele CA16041110.